The following is an entry in ClinVar:

NM_025103.4(IFT74):c.904A>G (p.Met302Val)

Gene: IFT74 (intraflagellar transport 74; plus strand). Cytogenetic location: 9p21.2.
Variant type: single nucleotide variant.
Coding change: c.904A>G on transcript NM_025103.4 (MANE Select); coding-DNA position 904, A replaced by G.
Protein change: p.Met302Val; replaces methionine 302 with valine.
Molecular consequence: missense variant.
Genome position (GRCh38, 1-based): chr9:27,017,021, A>G. VCF-style: chr9-27017021-A-G. GRCh37 (hg19) VCF-style: chr9-27017019-A-G.
Other names: c.904A>G, p.Met302Val (NM_001099222.3, NM_001099223.3, NM_001099224.3 and 1 more transcripts); short protein forms M302V.
Identifiers: ClinVar variation 3043932 (VCV003043932.2), dbSNP rs764370897, ClinGen allele CA5015429.
Genomic context (GRCh38, chr9:27,017,021, plus strand): 5'-TATGAGTTGGAGTCCCATCGAGATCAAATGATTGCAGAAGACAAAAGCATAGGATCTCCA[A>G]TGGAAGAGAGAGAGAAATTACTTAAGCAGGTGGGCAAAACAAACATACTTATTTTAAGAT-3'
Protein context (NP_079379.2, residues 292-312): IAEDKSIGSP[Met302Val]EEREKLLKQI

ClinVar aggregate classification (germline): Uncertain significance (0 of 4 stars; one submission).

Conditions:
IFT74-related disorder. Also called: IFT74-related condition; IFT74-Related Disorders.

Allele frequency attached by ClinVar (database versions not stated): gnomAD exomes below 0.00001; ExAC 0.00001.
gnomAD v4.1: 3 of 1,607,814 alleles (0.00019%); highest among the groups gnomAD compares: Admixed American, 0.0017%; no homozygotes.

Submission:

PreventionGenetics, part of Exact Sciences
Classification: Uncertain significance for IFT74-related condition. Last evaluated: 2023-11-28. Review status: no assertion criteria provided. Collection method: clinical testing. Allele origin: germline.
Comment: The IFT74 c.904A>G variant is predicted to result in the amino acid substitution p.Met302Val. To our knowledge, this variant has not been reported in the literature. This variant is reported in 0.0034% of alleles in individuals of South Asian descent in gnomAD. At this time, the clinical significance of this variant is uncertain due to the absence of conclusive functional and genetic evidence.